The following is an entry in ClinVar:

NM_006059.4(LAMC3):c.1064del (p.Cys355fs)

Gene: LAMC3 (laminin subunit gamma 3; plus strand). Cytogenetic location: 9q34.12.
Variant type: Deletion.
Coding change: c.1064del on transcript NM_006059.4 (MANE Select); coding-DNA position 1064, one base deleted (G; older notation c.1064delG).
Protein change: p.Cys355fs; shifts the reading frame from cysteine 355.
Molecular consequence: frameshift variant.
Genome position (GRCh38, 1-based): chr9:131,038,951, G deleted. VCF-style (leftmost placement, unchanged base first): chr9-131038950-TG-T. GRCh37 (hg19) VCF-style: chr9-133914337-TG-T.
Other names: short protein forms C355fs.
Identifiers: ClinVar variation 1908117 (VCV001908117.5), dbSNP rs756058789, ClinGen allele CA5286927.

ClinVar aggregate classification (germline): Pathogenic (1 of 4 stars; one submission).

Allele frequency attached by ClinVar (database versions not stated): TOPMed 0.00002; gnomAD 0.00003; ExAC 0.00004; gnomAD exomes 0.00004.

Submission:

Labcorp Genetics (formerly Invitae), Labcorp
Classification: Pathogenic. Last evaluated: 2025-02-04. Review status: criteria provided, single submitter. Criteria: Invitae Variant Classification Sherloc (09022015). Collection method: clinical testing. Allele origin: germline.
Comment: This sequence change creates a premature translational stop signal (p.Cys355Serfs*53) in the LAMC3 gene. It is expected to result in an absent or disrupted protein product. Loss-of-function variants in LAMC3 are known to be pathogenic (PMID: 21572413, 26802095). This variant is present in population databases (rs756058789, gnomAD 0.006%). This variant has not been reported in the literature in individuals affected with LAMC3-related conditions. ClinVar contains an entry for this variant (Variation ID: 1908117). For these reasons, this variant has been classified as Pathogenic.

Literature cited by the submitters: PubMed 21572413; PubMed 26802095.